The following is an entry in ClinVar:

ClinVar aggregate classification (germline): Uncertain significance. Review status: criteria provided, multiple submitters, no conflicts (2 of 4 stars). 2 submissions from 2 submitters: Uncertain significance (2). Last evaluated 2026-03-14.

Conditions:
CBL-related disorder. Also called: NOONAN SYNDROME-LIKE DISORDER WITHOUT JUVENILE MYELOMONOCYTIC LEUKEMIA; CBL MUTATION-ASSOCIATED SYNDROME; CBL SYNDROME. Identifiers: Orphanet 363972, MedGen C3150803, MONDO:0013308, OMIM 613563.
Cardiovascular phenotype. Identifiers: MedGen CN230736.

Allele frequency attached by ClinVar (database versions not stated): gnomAD exomes below 0.00001; TOPMed below 0.00001; gnomAD 0.00001.
gnomAD v4.1: 2 of 1,614,006 alleles (0.00012%); highest among the groups gnomAD compares: African/African-American, 0.0027%; no homozygotes.

Submissions (2):

PreventionGenetics, part of Exact Sciences
Classification: Uncertain significance for CBL-related condition. Last evaluated: 2026-03-14. Review status: criteria provided, single submitter. Criteria: ACMG Guidelines, 2015. Collection method: clinical testing. Allele origin: germline.
Comment: The CBL c.1789A>C variant is predicted to result in the amino acid substitution p.Lys597Gln. To our knowledge, this variant has not been reported in the literature or in a large population database (gnomAD), indicating this variant is rare. At this time, the clinical significance of this variant is uncertain due to the absence of conclusive functional and genetic evidence.

Ambry Genetics
Classification: Uncertain significance for Cardiovascular phenotype. Last evaluated: 2023-06-09. Review status: criteria provided, single submitter. Criteria: Ambry Variant Classification Scheme 2023. Collection method: clinical testing. Allele origin: germline.
Comment: The p.K597Q variant (also known as c.1789A>C), located in coding exon 11 of the CBL gene, results from an A to C substitution at nucleotide position 1789. The lysine at codon 597 is replaced by glutamine, an amino acid with similar properties. This amino acid position is conserved. In addition, the in silico prediction for this alteration is inconclusive. Since supporting evidence is limited at this time, the clinical significance of this alteration remains unclear.

NM_005188.4(CBL):c.1789A>C (p.Lys597Gln)

Gene: CBL (Cbl proto-oncogene; plus strand). Cytogenetic location: 11q23.3.
Variant type: single nucleotide variant.
Coding change: c.1789A>C on transcript NM_005188.4 (MANE Select); coding-DNA position 1789, A replaced by C.
Protein change: p.Lys597Gln; replaces lysine 597 with glutamine.
Molecular consequence: missense variant.
Genome position (GRCh38, 1-based): chr11:119,285,414, A>C. VCF-style: chr11-119285414-A-C. GRCh37 (hg19) VCF-style: chr11-119156124-A-C.
Other names: short protein forms K597Q.
Identifiers: ClinVar variation 2567308 (VCV002567308.3), dbSNP rs1949976299, ClinGen allele CA382920363.
Genomic context (GRCh38, chr11:119,285,414, plus strand): 5'-AAACTGCCCCCTGTCCCCTCTAGCCGCCTTGGAGACTCATGGCTGCCCCGGCCAATCCCC[A>C]AAGTACCAGTATCTGCCCCAAGTTCCAGTGATCCCTGGACAGGAAGAGAATTAACCAACC-3'
Protein context (NP_005179.2, residues 587-607): GDSWLPRPIP[Lys597Gln]VPVSAPSSSD